The following is an entry in ClinVar:

ClinVar aggregate classification (germline): Uncertain significance. Review status: criteria provided, multiple submitters, no conflicts (2 of 4 stars). 2 submissions from 2 submitters: Uncertain significance (2). Last evaluated 2025-09-02.

Conditions:
Encephalopathy, acute, infection-induced (herpes-specific), susceptibility to, 1. Also called: Herpes simplex encephalitis, susceptibility to, 1. Identifiers: Orphanet 1930, MedGen C2750180, MONDO:0024563, OMIM 610551.

Allele frequency attached by ClinVar (database versions not stated): gnomAD exomes 0.00001; ExAC 0.00002; TOPMed 0.00002.
gnomAD v4.1: 13 of 1,613,914 alleles (0.00081%); highest among the groups gnomAD compares: Admixed American, 0.01%; no homozygotes.

Submissions (2):

Labcorp Genetics (formerly Invitae), Labcorp
Classification: Uncertain significance for Encephalopathy, acute, infection-induced (herpes-specific), susceptibility to, 1. Last evaluated: 2025-09-02. Review status: criteria provided, single submitter. Criteria: Invitae Variant Classification Sherloc (09022015). Collection method: clinical testing. Allele origin: germline.
Comment: This sequence change replaces tyrosine, which is neutral and polar, with phenylalanine, which is neutral and non-polar, at codon 383 of the TLR3 protein (p.Tyr383Phe). This variant is present in population databases (rs754394157, gnomAD 0.01%). This variant has not been reported in the literature in individuals affected with TLR3-related conditions. ClinVar contains an entry for this variant (Variation ID: 2719953). An algorithm developed to predict the effect of missense changes on protein structure and function outputs the following: PolyPhen-2: "Benign". The phenylalanine amino acid residue is found in multiple mammalian species, which suggests that this missense change does not adversely affect protein function. In summary, the available evidence is currently insufficient to determine the role of this variant in disease. Therefore, it has been classified as a Variant of Uncertain Significance.

Ambry Genetics
Classification: Uncertain significance. Last evaluated: 2024-12-28. Review status: criteria provided, single submitter. Criteria: Ambry Variant Classification Scheme 2023. Collection method: clinical testing. Allele origin: germline.

NM_003265.3(TLR3):c.1148A>T (p.Tyr383Phe)

Gene: TLR3 (toll like receptor 3; plus strand). Cytogenetic location: 4q35.1.
Variant type: single nucleotide variant.
Coding change: c.1148A>T on transcript NM_003265.3 (MANE Select); coding-DNA position 1148, A replaced by T.
Protein change: p.Tyr383Phe; replaces tyrosine 383 with phenylalanine.
Molecular consequence: missense variant.
Genome position (GRCh38, 1-based): chr4:186,082,834, A>T. VCF-style: chr4-186082834-A-T. GRCh37 (hg19) VCF-style: chr4-187003988-A-T.
Other names: short protein forms Y383F.
Identifiers: ClinVar variation 2719953 (VCV002719953.4), dbSNP rs754394157, ClinGen allele CA3161364.